The following is an entry in ClinVar:

NM_022124.6(CDH23):c.7442C>G (p.Pro2481Arg)

Gene: CDH23 (cadherin related 23; plus strand). Cytogenetic location: 10q22.1.
Variant type: single nucleotide variant.
Coding change: c.7442C>G on transcript NM_022124.6 (MANE Select); coding-DNA position 7442, C replaced by G.
Protein change: p.Pro2481Arg; replaces proline 2481 with arginine.
Molecular consequence: missense variant.
Genome position (GRCh38, 1-based): chr10:71,800,715, C>G. VCF-style: chr10-71800715-C-G. GRCh37 (hg19) VCF-style: chr10-73560472-C-G.
Other names: c.722C>G, p.Pro241Arg (NM_001171933.1, NM_001171934.1); short protein forms P2481R, P241R.
Identifiers: ClinVar variation 46030 (VCV000046030.4), dbSNP rs397517351, ClinGen allele CA137567.

ClinVar aggregate classification (germline): Uncertain significance (1 of 4 stars; one submission).

Submission:

Laboratory for Molecular Medicine, Mass General Brigham Personalized Medicine
Classification: Uncertain significance. Last evaluated: 2011-02-14. Review status: criteria provided, single submitter. Criteria: LMM Criteria. Collection method: clinical testing. Allele origin: germline. Observed: 1 variant allele.
Comment: Variant classified as Uncertain Significance - Favor Benign. The Pro2481Arg vari ant in CDH23 has not been reported in the literature nor previously identified b y our laboratory. This residue is conserved across species and computational ana lyses (AlignGVGD, SIFT) suggest that the Pro2481Arg variant may impact the prote in. However, this information is not predictive enough to assume pathogenicity. In summary, the clinical significance of this variant cannot be determined at th is time.